The following is an entry in ClinVar:

NM_000238.4(KCNH2):c.2900_2903dup (p.Gly969fs)

Gene: KCNH2 (potassium voltage-gated channel subfamily H member 2; minus strand). Cytogenetic location: 7q36.1.
Variant type: Duplication.
Coding change: c.2900_2903dup on transcript NM_000238.4 (MANE Select); coding-DNA positions 2900 to 2903, 4 bases duplicated (CGCC; older notation c.2900_2903dupCGCC).
Protein change: p.Gly969fs; shifts the reading frame from glycine 969.
Molecular consequence: frameshift variant.
Genome position (GRCh38, 1-based): chr7:150,947,668-150,947,671, GGCG duplicated on the plus strand (CGCC on the coding strand, the reverse complement: KCNH2 is on the minus strand); duplicating any 4 consecutive bases within chr7:150,947,668-150,947,672 gives the same sequence; the c. name uses the placement nearest the transcript's 3' end. VCF-style (leftmost placement, unchanged base first): chr7-150947667-C-CGGCG. GRCh37 (hg19) VCF-style: chr7-150644755-C-CGGCG.
Other names: c.2611_2614dup, p.Gly873Alafs (NM_001406753.1); c.1880_1883dup, p.Gly629fs (NM_172057.3); c.2900_2903dupCGCC (NM_000238.3); short protein forms G969fs, G629fs.
Identifiers: ClinVar variation 1797445 (VCV001797445.4), dbSNP rs2486006764, ClinGen allele CA2580077737.

ClinVar aggregate classification (germline): Pathogenic. Review status: criteria provided, multiple submitters, no conflicts (2 of 4 stars). 2 submissions from 2 submitters: Pathogenic (2). Last evaluated 2025-04-08.

Conditions:
Cardiovascular phenotype. Identifiers: MedGen CN230736.
Long QT syndrome (LQTS). Identifiers: MedGen C0023976, MeSH D008133, MONDO:0002442. Disease mechanism: loss of function. Inheritance: Various modes of inheritance.

Submissions (2):

Labcorp Genetics (formerly Invitae), Labcorp
Classification: Pathogenic for Long QT syndrome. Last evaluated: 2025-04-08. Review status: criteria provided, single submitter. Criteria: Invitae Variant Classification Sherloc (09022015). Collection method: clinical testing. Allele origin: germline.
Comment: This sequence change creates a premature translational stop signal (p.Gly969Alafs*151) in the KCNH2 gene. While this is not anticipated to result in nonsense mediated decay, it is expected to disrupt the last 191 amino acid(s) of the KCNH2 protein. This variant is not present in population databases (gnomAD no frequency). This variant has not been reported in the literature in individuals affected with KCNH2-related conditions. ClinVar contains an entry for this variant (Variation ID: 1797445). This variant disrupts a region of the KCNH2 protein in which other variant(s) (p.E1119*) have been determined to be pathogenic (PMID: 27920829). This suggests that this is a clinically significant region of the protein, and that variants that disrupt it are likely to be disease-causing. For these reasons, this variant has been classified as Pathogenic.

Ambry Genetics
Classification: Pathogenic for Cardiovascular phenotype. Last evaluated: 2019-12-02. Review status: criteria provided, single submitter. Criteria: Ambry Variant Classification Scheme 2023. Collection method: clinical testing. Allele origin: germline.
Comment: The c.2900_2903dupCGCC pathogenic mutation, located in coding exon 12 of the KCNH2 gene, results from a duplication of CGCC at nucleotide position 2900, causing a translational frameshift with a predicted alternate stop codon (p.G969Afs*151). This mutation was detected in an individual with clinical suspicion of long QT syndrome (LQTS) (Berge KE et al. Scand. J. Clin. Lab. Invest., 2008;68:362-8). In additional to the clinical data presented in the literature, this alteration is expected to result in loss of function by premature protein truncation or nonsense-mediated mRNA decay. As such, this alteration is interpreted as a disease-causing mutation.

Literature cited by the submitters: PubMed 27920829 (cited by Labcorp Genetics (formerly Invitae), Labcorp); PubMed 18752142 (cited by Ambry Genetics).